The following is an entry in ClinVar:

ClinVar aggregate classification (germline): Uncertain significance (1 of 4 stars; one submission).

gnomAD v4.1: 2 of 1,577,860 alleles (0.00013%); highest among the groups gnomAD compares: Admixed American, 0.0018%; no homozygotes.

Submission:

Ambry Genetics
Classification: Uncertain significance. Last evaluated: 2024-05-31. Review status: criteria provided, single submitter. Criteria: Ambry Variant Classification Scheme 2023. Collection method: clinical testing. Allele origin: germline.
Comment: The p.K212Q variant (also known as c.634A>C), located in coding exon 1 of the TERF2IP gene, results from an A to C substitution at nucleotide position 634. The lysine at codon 212 is replaced by glutamine, an amino acid with similar properties. This amino acid position is conserved. In addition, this alteration is predicted to be tolerated by in silico analysis. Based on the available evidence, the clinical significance of this variant remains unclear.

NM_018975.4(TERF2IP):c.634A>C (p.Lys212Gln)

Gene: TERF2IP (TERF2 interacting protein; plus strand). Cytogenetic location: 16q23.1.
Variant type: single nucleotide variant.
Coding change: c.634A>C on transcript NM_018975.4 (MANE Select); coding-DNA position 634, A replaced by C.
Protein change: p.Lys212Gln; replaces lysine 212 with glutamine.
Molecular consequence: missense variant. On other transcripts: non-coding transcript variant (1).
Genome position (GRCh38, 1-based): chr16:75,648,516, A>C. VCF-style: chr16-75648516-A-C. GRCh37 (hg19) VCF-style: chr16-75682414-A-C.
Other names: short protein forms K212Q.
Identifiers: ClinVar variation 3325426 (VCV003325426.1).